The following is an entry in ClinVar:

ClinVar aggregate classification (germline): Uncertain significance (1 of 4 stars; one submission).

Submission:

Labcorp Genetics (formerly Invitae), Labcorp
Classification: Uncertain significance. Last evaluated: 2022-09-27. Review status: criteria provided, single submitter. Criteria: Invitae Variant Classification Sherloc (09022015). Collection method: clinical testing. Allele origin: germline.
Comment: This sequence change replaces phenylalanine, which is neutral and non-polar, with valine, which is neutral and non-polar, at codon 313 of the EIF2B2 protein (p.Phe313Val). This variant is not present in population databases (gnomAD no frequency). This variant has not been reported in the literature in individuals affected with EIF2B2-related conditions. ClinVar contains an entry for this variant (Variation ID: 1521083). Advanced modeling of protein sequence and biophysical properties (such as structural, functional, and spatial information, amino acid conservation, physicochemical variation, residue mobility, and thermodynamic stability) performed at Invitae indicates that this missense variant is not expected to disrupt EIF2B2 protein function. In summary, the available evidence is currently insufficient to determine the role of this variant in disease. Therefore, it has been classified as a Variant of Uncertain Significance.

NM_014239.4(EIF2B2):c.937T>G (p.Phe313Val)

Gene: EIF2B2 (eukaryotic translation initiation factor 2B subunit beta; plus strand). Cytogenetic location: 14q24.3.
Variant type: single nucleotide variant.
Coding change: c.937T>G on transcript NM_014239.4 (MANE Select); coding-DNA position 937, T replaced by G.
Protein change: p.Phe313Val; replaces phenylalanine 313 with valine.
Molecular consequence: missense variant.
Genome position (GRCh38, 1-based): chr14:75,009,069, T>G. VCF-style: chr14-75009069-T-G. GRCh37 (hg19) VCF-style: chr14-75475772-T-G.
Other names: short protein forms F313V.
Identifiers: ClinVar variation 1521083 (VCV001521083.8), dbSNP rs2139257595, ClinGen allele CA390430225.